The following is an entry in ClinVar:

ClinVar aggregate classification (germline): Pathogenic/Likely pathogenic. Review status: criteria provided, multiple submitters, no conflicts (2 of 4 stars). 3 submissions from 3 submitters: Pathogenic (1); Likely pathogenic (2). Last evaluated 2023-12-27.

Conditions:
NF1-related disorder. Also called: NF1-related condition. Identifiers: MedGen CN379171.
Hereditary cancer-predisposing syndrome. Also called: Tumor predisposition; Neoplastic Syndromes, Hereditary; Hereditary neoplastic syndrome; Hereditary Cancer Syndrome. Identifiers: Orphanet 140162, MedGen C0027672, MeSH D009386, MONDO:0015356.
Cardiovascular phenotype. Identifiers: MedGen CN230736.
Neurofibromatosis, type 1 (NF1). Also called: NEUROFIBROMATOSIS, TYPE I, SOMATIC; Neurofibromatosis, type I; Peripheral type neurofibromatosis; VON RECKLINGHAUSEN DISEASE. Identifiers: Orphanet 636, MedGen C0027831, MONDO:0018975, OMIM 162200. Disease mechanism: loss of function.

Submissions (3):

Ambry Genetics
Classification: Likely pathogenic for Cardiovascular phenotype; Hereditary cancer-predisposing syndrome. Last evaluated: 2023-12-27. Review status: criteria provided, single submitter. Criteria: Ambry Variant Classification Scheme 2023. Collection method: clinical testing. Allele origin: germline.
Comment: The p.L1390R variant (also known as c.4169T>G), located in coding exon 31 of the NF1 gene, results from a T to G substitution at nucleotide position 4169. The leucine at codon 1390 is replaced by arginine, an amino acid with dissimilar properties. This alteration was identified in an individual with a clinical diagnosis of neurofibromatosis type 1 (NF1) (Ho SK et al. Eur J Med Genet, 2022 Apr;65:104474). Another alteration at the same codon, p.L1390F (c.4168C>T), has been has been reported in one family with neurofibromatosis-Noonan syndrome (NFNS) and segregated with disease in seven affected family members (Nystr&ouml;m AM et al. Clin. Genet. 2009 Dec; 76(6):524-34). This amino acid position is highly conserved in available vertebrate species. In addition, this alteration is predicted to be deleterious by in silico analysis. This variant is considered to be rare based on population cohorts in the Genome Aggregation Database (gnomAD). Based on the majority of available evidence to date, this variant is likely to be pathogenic.

Labcorp Genetics (formerly Invitae), Labcorp
Classification: Pathogenic for Neurofibromatosis, type 1. Last evaluated: 2023-07-17. Review status: criteria provided, single submitter. Criteria: Invitae Variant Classification Sherloc (09022015). Collection method: clinical testing. Allele origin: germline.
Comment: For these reasons, this variant has been classified as Pathogenic. This variant disrupts the p.Leu139 amino acid residue in NF1. Other variant(s) that disrupt this residue have been determined to be pathogenic (PMID: 16835897, 19845691; Invitae). This suggests that this residue is clinically significant, and that variants that disrupt this residue are likely to be disease-causing. Advanced modeling of protein sequence and biophysical properties (such as structural, functional, and spatial information, amino acid conservation, physicochemical variation, residue mobility, and thermodynamic stability) performed at Invitae indicates that this missense variant is expected to disrupt NF1 protein function. ClinVar contains an entry for this variant (Variation ID: 2092452). This missense change has been observed in individuals with clinical features of NF1-related conditions (Invitae). This variant is not present in population databases (gnomAD no frequency). This sequence change replaces leucine, which is neutral and non-polar, with arginine, which is basic and polar, at codon 1390 of the NF1 protein (p.Leu1390Arg).

PreventionGenetics, part of Exact Sciences
Classification: Likely pathogenic for NF1-related condition. Last evaluated: 2023-05-22. Review status: criteria provided, single submitter. Criteria: ACMG Guidelines, 2015. Collection method: clinical testing. Allele origin: germline.
Comment: The NF1 c.4232T>G variant is predicted to result in the amino acid substitution p.Leu1411Arg. This variant is also referred to as p.Leu1390Arg in an alternate transcript (NM_000267.3). This variant has been reported in an individual with neurofibromatosis type 1 and was reported to be de novo; however, the parentage was not confirmed by another method (reported as p.Leu1390Arg in Supplemental material - Ho et al. 2022. PubMed ID: 35240321, submitted to DECIPHER under Patient ID: 430452). This variant has not been reported in a large population database, indicating this variant is rare. Different pathogenic missense variants affecting the same residue (p.Leu1411Phe, p.Leu1411Pro, pLeu1411Val) have been documented in individuals with neurofibromatosis type 1 and neurofibromatosis-Noonan syndrome (referred to as L1390F in Nyström et al. 2009. PubMed ID: 19845691; referred to as Leu1390Pro in Lee et al. 2006. PubMed ID: 16835897; ClinVar ID: 547642). This variant is interpreted as likely pathogenic.

Literature cited by the submitters: PubMed 16835897 (cited by Labcorp Genetics (formerly Invitae), Labcorp); PubMed 19845691 (cited by Labcorp Genetics (formerly Invitae), Labcorp).

NM_001042492.3(NF1):c.4232T>G (p.Leu1411Arg)

Gene: NF1 (neurofibromin 1; plus strand). Cytogenetic location: 17q11.2.
Variant type: single nucleotide variant.
Coding change: c.4232T>G on transcript NM_001042492.3 (MANE Select); coding-DNA position 4232, T replaced by G.
Protein change: p.Leu1411Arg; replaces leucine 1411 with arginine.
Molecular consequence: missense variant.
Genome position (GRCh38, 1-based): chr17:31,258,402, T>G. VCF-style: chr17-31258402-T-G. GRCh37 (hg19) VCF-style: chr17-29585420-T-G.
Other names: c.4169T>G, p.Leu1390Arg (NM_000267.4); short protein forms L1411R, L1390R.
Identifiers: ClinVar variation 2092452 (VCV002092452.6), dbSNP rs2067621676, ClinGen allele CA398997830.